The following is an entry in ClinVar:

ClinVar aggregate classification (germline): Uncertain significance. Review status: criteria provided, multiple submitters, no conflicts (2 of 4 stars). 4 submissions from 4 submitters: Uncertain significance (4). Last evaluated 2024-09-27.

Conditions:
Spermatogenic failure 18. Identifiers: MedGen C4539783, MONDO:0054615, OMIM 617576.
Ciliary dyskinesia, primary, 37 (CILD37). Also called: CILIARY DYSKINESIA, PRIMARY, 37, WITH OR WITHOUT SITUS INVERSUS. Identifiers: MedGen C4539798, MONDO:0033204, OMIM 617577.

Submissions (4):

GeneDx
Classification: Uncertain significance. Last evaluated: 2024-09-27. Review status: criteria provided, single submitter. Criteria: GeneDx Variant Classification Process June 2021. Collection method: clinical testing. Allele origin: germline. Affected: yes.
Comment: In silico analysis supports a deleterious effect on protein structure/function; Has not been previously published as pathogenic or benign to our knowledge; In silico analysis is inconclusive as to whether the variant alters gene splicing. In the absence of RNA/functional studies, the actual effect of this sequence change is unknown.

Blueprint Genetics
Classification: Uncertain significance. Last evaluated: 2024-08-20. Review status: criteria provided, single submitter. Criteria: ACMG Guidelines, 2015. Collection method: clinical testing. Allele origin: germline.

Labcorp Genetics (formerly Invitae), Labcorp
Classification: Uncertain significance for Ciliary dyskinesia, primary, 37; Spermatogenic failure 18. Last evaluated: 2022-08-09. Review status: criteria provided, single submitter. Criteria: Invitae Variant Classification Sherloc (09022015). Collection method: clinical testing. Allele origin: germline.
Comment: This sequence change replaces arginine, which is basic and polar, with leucine, which is neutral and non-polar, at codon 1362 of the DNAH1 protein (p.Arg1362Leu). This variant also falls at the last nucleotide of exon 24, which is part of the consensus splice site for this exon. This variant is present in population databases (no rsID available, gnomAD 4%). This variant has not been reported in the literature in individuals affected with DNAH1-related conditions. ClinVar contains an entry for this variant (Variation ID: 565341). Algorithms developed to predict the effect of missense changes on protein structure and function are either unavailable or do not agree on the potential impact of this missense change (SIFT: "Not Available"; PolyPhen-2: "Benign"; Align-GVGD: "Not Available"). Variants that disrupt the consensus splice site are a relatively common cause of aberrant splicing (PMID: 17576681, 9536098). Algorithms developed to predict the effect of sequence changes on RNA splicing suggest that this variant may disrupt the consensus splice site. In summary, the available evidence is currently insufficient to determine the role of this variant in disease. Therefore, it has been classified as a Variant of Uncertain Significance.

Fulgent Genetics
Classification: Uncertain significance for Spermatogenic failure 18; Ciliary dyskinesia, primary, 37. Last evaluated: 2021-11-17. Review status: criteria provided, single submitter. Criteria: ACMG Guidelines, 2015. Collection method: clinical testing. Allele origin: unknown.

Literature cited by the submitters: PubMed 17576681 (cited by Labcorp Genetics (formerly Invitae), Labcorp); PubMed 9536098 (cited by Labcorp Genetics (formerly Invitae), Labcorp).

NM_015512.5(DNAH1):c.4085_4086delinsTT (p.Arg1362Leu)

Gene: DNAH1 (dynein axonemal heavy chain 1; plus strand). Cytogenetic location: 3p21.1.
Variant type: Indel.
Coding change: c.4085_4086delinsTT on transcript NM_015512.5 (MANE Select); coding-DNA positions 4085 to 4086, GG replaced by TT.
Protein change: p.Arg1362Leu; replaces arginine 1362 with leucine.
Molecular consequence: missense variant.
Genome position (GRCh38, 1-based): chr3:52,358,002-52,358,003, GG replaced by TT. VCF-style: chr3-52358002-GG-TT. GRCh37 (hg19) VCF-style: chr3-52392018-GG-TT.
Other names: c.4085_4086delinsTT (NM_015512.4); short protein forms R1362L.
Identifiers: ClinVar variation 565341 (VCV000565341.8), dbSNP rs1559525094, ClinGen allele CA891842624.
Genomic context (GRCh38, chr3:52,358,002, plus strand): 5'-AGACAAAGGACCCCACGGCCGTGCAGCCACACCTGCGCAAGTGCTTCGAGAACATCGCTC[GG>TT]GTGGGCAGCTGGGCCCGGGGCTCAGGGCTGGGAGCATGGGGCATCTTCCCAGGGAGAACG-3'
Protein context (NP_056327.4, residues 1352-1372): HLRKCFENIA[Arg1362Leu]LLFQEDLEIT